The following is an entry in ClinVar:

NM_032119.4(ADGRV1):c.17235T>G (p.Tyr5745Ter)

Gene: ADGRV1 (adhesion G protein-coupled receptor V1; plus strand). Cytogenetic location: 5q14.3.
Variant type: single nucleotide variant.
Coding change: c.17235T>G on transcript NM_032119.4 (MANE Select); coding-DNA position 17235, T replaced by G.
Protein change: p.Tyr5745Ter; replaces tyrosine 5745 with a stop codon.
Molecular consequence: nonsense. On other transcripts: non-coding transcript variant (1).
Genome position (GRCh38, 1-based): chr5:90,853,314, T>G. VCF-style: chr5-90853314-T-G. GRCh37 (hg19) VCF-style: chr5-90149131-T-G.
Other names: short protein forms Y5745*.
Identifiers: ClinVar variation 376880 (VCV000376880.5), dbSNP rs1057520080, ClinGen allele CA16603198.

ClinVar aggregate classification (germline): Pathogenic/Likely pathogenic. Review status: criteria provided, multiple submitters, no conflicts (2 of 4 stars). 2 submissions from 2 submitters: Pathogenic (1); Likely pathogenic (1). Last evaluated 2023-05-05.

Allele frequency attached by ClinVar (database versions not stated): gnomAD exomes below 0.00001.
gnomAD v4.1: 2 of 1,610,952 alleles (0.00012%); highest among the groups gnomAD compares: Non-Finnish European, 0.00017%; no homozygotes.

Submissions (2):

Labcorp Genetics (formerly Invitae), Labcorp
Classification: Pathogenic. Last evaluated: 2023-05-05. Review status: criteria provided, single submitter. Criteria: Invitae Variant Classification Sherloc (09022015). Collection method: clinical testing. Allele origin: germline.
Comment: For these reasons, this variant has been classified as Pathogenic. ClinVar contains an entry for this variant (Variation ID: 376880). This variant has not been reported in the literature in individuals affected with ADGRV1-related conditions. This variant is not present in population databases (gnomAD no frequency). This sequence change creates a premature translational stop signal (p.Tyr5745*) in the ADGRV1 gene. It is expected to result in an absent or disrupted protein product. Loss-of-function variants in ADGRV1 are known to be pathogenic (PMID: 19357117, 22135276, 22147658, 26226137, 30718709, 31047384, 32467589).

Center for Pediatric Genomic Medicine, Children's Mercy Hospital and Clinics
Classification: Likely pathogenic. Last evaluated: 2017-01-25. Review status: criteria provided, single submitter. Criteria: ACMG Guidelines, 2015. Collection method: clinical testing. Allele origin: germline.

Literature cited by the submitters: PubMed 19357117 (cited by Labcorp Genetics (formerly Invitae), Labcorp); PubMed 22135276 (cited by Labcorp Genetics (formerly Invitae), Labcorp); PubMed 22147658 (cited by Labcorp Genetics (formerly Invitae), Labcorp); PubMed 26226137 (cited by Labcorp Genetics (formerly Invitae), Labcorp); PubMed 30718709 (cited by Labcorp Genetics (formerly Invitae), Labcorp); PubMed 31047384 (cited by Labcorp Genetics (formerly Invitae), Labcorp); PubMed 32467589 (cited by Labcorp Genetics (formerly Invitae), Labcorp).